The following is an entry in ClinVar:

ClinVar aggregate classification (germline): Pathogenic (1 of 4 stars; one submission).

Conditions:
LAMA2-related muscular dystrophy (LAMA2-RD). Also called: Laminin alpha 2-related dystrophy. Identifiers: MedGen C5679788, MONDO:0100228.

Submission:

Myriad Genetics, Inc.
Classification: Pathogenic for LAMA2-related muscular dystrophy. Last evaluated: 2023-08-11. Review status: criteria provided, single submitter. Criteria: Myriad Autosomal Dominant, Autosomal Recessive and X-Linked Classification Criteria (2023). Collection method: clinical testing. Allele origin: unknown.
Comment: NM_000426.3(LAMA2):c.6071C>G(S2024*) is expected to be pathogenic in the context of muscular dystrophy, LAMA2-related. This variant is predicted to lead to an abnormal or absent protein product due to the creation of a premature termination codon in LAMA2, a gene where loss-of-function variants are known to be pathogenic. Please note: this variant was assessed in the context of healthy population screening.

NM_000426.4(LAMA2):c.6071C>G (p.Ser2024Ter)

Gene: LAMA2 (laminin subunit alpha 2; plus strand). Cytogenetic location: 6q22.33.
Variant type: single nucleotide variant.
Coding change: c.6071C>G on transcript NM_000426.4 (MANE Select); coding-DNA position 6071, C replaced by G.
Protein change: p.Ser2024Ter; replaces serine 2024 with a stop codon.
Molecular consequence: nonsense.
Genome position (GRCh38, 1-based): chr6:129,438,748, C>G. VCF-style: chr6-129438748-C-G. GRCh37 (hg19) VCF-style: chr6-129759893-C-G.
Other names: c.6071C>G, p.Ser2024Ter (NM_001079823.2); short protein forms S2024*.
Identifiers: ClinVar variation 5011324 (VCV005011324.1).